The following is an entry in ClinVar:

ClinVar aggregate classification (germline): Likely pathogenic (1 of 4 stars; one submission).

Submission:

GeneDx
Classification: Likely pathogenic. Last evaluated: 2015-07-29. Review status: criteria provided, single submitter. Criteria: GeneDx Variant Classification (06012015). Collection method: clinical testing. Allele origin: germline. Affected: yes.
Comment: The c.2666_2667delTCinsAA mutation results in a deletion of TC and insertion of AA, maintaining the reading frame and leading to a Leucine residue being replaced with a Glutamine residue at position 889 (L889Q). L889Q was not observed in approximately 6500 individuals of European and African American ancestry in the NHLBI Exome Sequencing Project, indicating it is not a common benign variant in these populations. The L889Q mutation is a non-conservative amino acid substitution, which is likely to impact secondary protein structure as these residues differ in polarity, charge, size and/or other properties. This substitution occurs at a position that is conserved across species. In silico analysis predicts this variant is probably damaging to the protein structure/function. Furthermore, missense mutations in nearby residues (Q882E, N885K, Q892K, E894G, A901G, A901P, E903G, E903K, C905R, C905F, D906G, L908V, I909M) have been reported in association with HCM, supporting the functional importance of this region of the protein. In summary, c.2666_2667delTCinsAA in the MYH7 gene is interpreted as a likely disease-causing mutation.

NM_000257.4(MYH7):c.2666_2667delinsAA (p.Leu889Gln)

Genes: MYH7 (myosin heavy chain 7; minus strand), LOC126861898 (BRD4-independent group 4 enhancer GRCh37_chr14:23893609-23894808; plus strand). Cytogenetic location: 14q11.2.
Variant type: Indel.
Coding change: c.2666_2667delinsAA on transcript NM_000257.4 (MANE Select); coding-DNA positions 2666 to 2667, TC replaced by AA.
Protein change: p.Leu889Gln; replaces leucine 889 with glutamine.
Molecular consequence: missense variant.
Genome position (GRCh38, 1-based): chr14:23,424,781-23,424,782, GA replaced by TT on the plus strand (TC replaced by AA on the coding strand, the reverse complement: MYH7 is on the minus strand). VCF-style: chr14-23424781-GA-TT. GRCh37 (hg19) VCF-style: chr14-23893990-GA-TT.
Other names: p.L889Q:CTC>CAA; c.2666_2667delTCinsAA (LRG_384t1); short protein forms L889Q.
Identifiers: ClinVar variation 181362 (VCV000181362.1), dbSNP rs730880888, ClinGen allele CA012800.